The following is an entry in ClinVar:

ClinVar aggregate classification (germline): Conflicting classifications of pathogenicity. Review status: criteria provided, conflicting classifications (1 of 4 stars). 4 submissions from 4 submitters: Uncertain significance (2); Benign (1); Likely benign (1). Last evaluated 2024-12-20.

Conditions:
Hereditary cancer-predisposing syndrome. Also called: Hereditary neoplastic syndrome; Neoplastic Syndromes, Hereditary; Tumor predisposition; Hereditary Cancer Syndrome. Identifiers: Orphanet 140162, MedGen C0027672, MeSH D009386, MONDO:0015356.
Gorlin syndrome. Also called: Nevoid Basal Cell Carcinoma Syndrome; Basal cell nevus syndrome. Identifiers: Orphanet 377, MedGen C0004779, MONDO:0007187.

Allele frequency attached by ClinVar (database versions not stated): ExAC 0.00001; gnomAD exomes 0.00001.
gnomAD v4.1: 4 of 1,614,218 alleles (0.00025%); highest among the groups gnomAD compares: South Asian, 0.0033%; no homozygotes.

Submissions (4):

Labcorp Genetics (formerly Invitae), Labcorp
Classification: Benign for Gorlin syndrome. Last evaluated: 2024-12-20. Review status: criteria provided, single submitter. Criteria: Invitae Variant Classification Sherloc (09022015). Collection method: clinical testing. Allele origin: germline.

Quest Diagnostics Nichols Institute San Juan Capistrano
Classification: Uncertain significance. Last evaluated: 2024-11-22. Review status: criteria provided, single submitter. Criteria: Quest Diagnostics criteria. Collection method: clinical testing. Allele origin: unknown.
Comment: The PTCH1 c.2615A>G (p.Asn872Ser) variant has not been reported in individuals with PTCH1-related conditions in the published literature. The frequency of this variant in the general population, 0.000008 (2/251494 chromosomes (Genome Aggregation Database)), is uninformative in the assessment of its pathogenicity. Analysis of this variant using bioinformatics tools for the prediction of the effect of amino acid changes on protein structure and function yielded predictions that this variant is benign. Based on the available information, we are unable to determine the clinical significance of this variant.

GeneDx
Classification: Uncertain significance. Last evaluated: 2024-11-14. Review status: criteria provided, single submitter. Criteria: GeneDx Variant Classification Process June 2021. Collection method: clinical testing. Allele origin: germline. Affected: yes.
Comment: In silico analysis indicates that this missense variant does not alter protein structure/function; Has not been previously published as pathogenic or benign to our knowledge; This variant is associated with the following publications: (PMID: 34694888, 8906794)

Ambry Genetics
Classification: Likely benign for Hereditary cancer-predisposing syndrome. Last evaluated: 2024-04-15. Review status: criteria provided, single submitter. Criteria: Ambry Variant Classification Scheme 2023. Collection method: clinical testing. Allele origin: germline.

NM_000264.5(PTCH1):c.2615A>G (p.Asn872Ser)

Gene: PTCH1 (patched 1; minus strand). Cytogenetic location: 9q22.32.
Variant type: single nucleotide variant.
Coding change: c.2615A>G on transcript NM_000264.5 (MANE Select); coding-DNA position 2615, A replaced by G.
Protein change: p.Asn872Ser; replaces asparagine 872 with serine.
Molecular consequence: missense variant. On other transcripts: non-coding transcript variant (1).
Genome position (GRCh38, 1-based): chr9:95,461,944, T>C on the plus strand (A>G on the coding strand, the complement: PTCH1 is on the minus strand). VCF-style: chr9-95461944-T-C. GRCh37 (hg19) VCF-style: chr9-98224226-T-C.
Other names: c.2417A>G, p.Asn806Ser (NM_001083602.3); c.2612A>G, p.Asn871Ser (NM_001083603.3); c.2162A>G, p.Asn721Ser (NM_001083604.3, NM_001083605.3, NM_001083606.3 and 1 more transcripts); c.2459A>G, p.Asn820Ser (NM_001354918.2); c.2615A>G (NM_000264.4, NM_000264.3); short protein forms N721S, N806S, N820S, N871S, N872S.
Identifiers: ClinVar variation 1024020 (VCV001024020.14), dbSNP rs769029578, ClinGen allele CA5138360.
Genomic context (GRCh38, chr9:95,461,944, plus strand): 5'-CTGCCGGTTTGCACCAGGAGTTTGTAGGCAAGGACTCCATCGTCTGATCCATTCTTGTAA[T>C]TGTTTGGCATGATTTTCCCGGTTTCCCAGTCACTGTCAAATGCATCCTGAAGTCCTAGAA-3'
Protein context (NP_000255.2, residues 862-882): DWETGKIMPN[Asn872Ser]YKNGSDDGVL